The following is an entry in ClinVar:

ClinVar aggregate classification (germline): Uncertain significance (1 of 4 stars; one submission).

Conditions:
PLXNA4-related disorder. Also called: PLXNA4-related condition.

gnomAD v4.1: 42 of 1,613,922 alleles (0.0026%); highest among the groups gnomAD compares: East Asian, 0.0045%; no homozygotes.

Submission:

PreventionGenetics, part of Exact Sciences
Classification: Uncertain significance for PLXNA4-related condition. Last evaluated: 2025-03-03. Review status: criteria provided, single submitter. Criteria: ACMG Guidelines, 2015. Collection method: clinical testing. Allele origin: germline.
Comment: The PLXNA4 c.2830C>T variant is predicted to result in the amino acid substitution p.Arg944Trp. To our knowledge, this variant has not been reported in the literature. This variant is reported in 0.013% of alleles in individuals of African descent in gnomAD. At this time, the clinical significance of this variant is uncertain due to the absence of conclusive functional and genetic evidence.

NM_020911.2(PLXNA4):c.2830C>T (p.Arg944Trp)

Gene: PLXNA4 (plexin A4; minus strand). Cytogenetic location: 7q32.3.
Variant type: single nucleotide variant.
Coding change: c.2830C>T on transcript NM_020911.2 (MANE Select); coding-DNA position 2830, C replaced by T.
Protein change: p.Arg944Trp; replaces arginine 944 with tryptophan.
Molecular consequence: missense variant.
Genome position (GRCh38, 1-based): chr7:132,194,088, G>A on the plus strand (C>T on the coding strand, the complement: PLXNA4 is on the minus strand). VCF-style: chr7-132194088-G-A. GRCh37 (hg19) VCF-style: chr7-131878847-G-A.
Other names: c.2830C>T, p.Arg944Trp (NM_001393897.1); short protein forms R944W.
Identifiers: ClinVar variation 3351273 (VCV003351273.2).
Genomic context (GRCh38, chr7:132,194,088, plus strand): 5'-GCACCCAGCCAGATCACTGCTGGCCAAGACTCACCATGAAGTAATAGAGCTGTGAGGACC[G>A]GGCCATGAATTCAGGCCGACACACAGCCACGCAGATCTCCACGAAGCCTGCATGCTGGCT-3'
Protein context (NP_065962.1, residues 934-954): VAVCRPEFMA[Arg944Trp]SSQLYYFMTL